The following is an entry in ClinVar:

ClinVar aggregate classification (germline): Conflicting classifications of pathogenicity. Review status: criteria provided, conflicting classifications (1 of 4 stars). 3 submissions from 3 submitters: Uncertain significance (1); Likely benign (2). Last evaluated 2025-07-10.

Conditions:
Hereditary cancer-predisposing syndrome. Also called: Tumor predisposition; Neoplastic Syndromes, Hereditary; Hereditary Cancer Syndrome; Hereditary neoplastic syndrome. Identifiers: Orphanet 140162, MedGen C0027672, MeSH D009386, MONDO:0015356.
EGFR-related disorder. Also called: EGFR-related condition.
EGFR-related lung cancer (EGFR). Identifiers: MedGen CN130014.

Allele frequency attached by ClinVar (database versions not stated): gnomAD 0.00002 and 0.00003.
gnomAD v4.1: 5 of 1,614,008 alleles (0.00031%); highest among the groups gnomAD compares: African/African-American, 0.0053%; no homozygotes.

Submissions (3):

PreventionGenetics, part of Exact Sciences
Classification: Likely benign for EGFR-related condition. Last evaluated: 2025-07-10. Review status: criteria provided, single submitter. Criteria: ACMG Guidelines, 2015. Collection method: clinical testing. Allele origin: germline.
Comment: This variant is classified as likely benign based on ACMG/AMP sequence variant interpretation guidelines (Richards et al. 2015 PMID: 25741868, with internal and published modifications).

Ambry Genetics
Classification: Uncertain significance for Hereditary cancer-predisposing syndrome. Last evaluated: 2025-06-16. Review status: criteria provided, single submitter. Criteria: Ambry Variant Classification Scheme 2023. Collection method: clinical testing. Allele origin: germline.
Comment: The c.1344G>A variant (also known as p.L448L), located in coding exon 12 of the EGFR gene, results from a G to A substitution at nucleotide position 1344. This nucleotide substitution does not change the amino acid at codon 448. This nucleotide position is well conserved in available vertebrate species. In silico splice site analysis for this alteration is inconclusive. Based on the available evidence, the clinical significance of this variant remains unclear.

Labcorp Genetics (formerly Invitae), Labcorp
Classification: Likely benign for EGFR-related lung cancer. Last evaluated: 2024-10-08. Review status: criteria provided, single submitter. Criteria: Invitae Variant Classification Sherloc (09022015). Collection method: clinical testing. Allele origin: germline.

NM_005228.5(EGFR):c.1344G>A (p.Leu448=)

Gene: EGFR (epidermal growth factor receptor; plus strand). Cytogenetic location: 7p11.2.
Variant type: single nucleotide variant.
Coding change: c.1344G>A on transcript NM_005228.5 (MANE Select); coding-DNA position 1344, G replaced by A.
Protein change: p.Leu448=; no amino-acid change (leucine 448 retained).
Molecular consequence: synonymous variant.
Genome position (GRCh38, 1-based): chr7:55,160,184, G>A. VCF-style: chr7-55160184-G-A. GRCh37 (hg19) VCF-style: chr7-55227877-G-A.
Other names: c.1209G>A, p.Leu403= (NM_001346897.2, NM_001346899.2); c.1344G>A, p.Leu448= (NM_001346898.2, NM_201282.2, NM_201284.2); c.1185G>A, p.Leu395= (NM_001346900.2); c.543G>A, p.Leu181= (NM_001346941.2); c.1344G>A (NM_005228.4, NM_005228.3).
Identifiers: ClinVar variation 1430894 (VCV001430894.10), dbSNP rs763266323, ClinGen allele CA4265563.